The following is an entry in ClinVar:

ClinVar aggregate classification (germline): Conflicting classifications of pathogenicity. Review status: criteria provided, conflicting classifications (1 of 4 stars). 5 submissions from 5 submitters: Uncertain significance (3); Likely benign (2). Last evaluated 2026-09-21.

Conditions:
ALPK3-related disorder. Also called: ALPK3-related condition.
Cardiovascular phenotype. Identifiers: MedGen CN230736.

Allele frequency attached by ClinVar (database versions not stated): gnomAD 0.00006 and 0.00007; TOPMed 0.00006; ExAC 0.00007; gnomAD exomes 0.00004.
gnomAD v4.1: 108 of 1,613,984 alleles (0.0067%); highest among the groups gnomAD compares: Middle Eastern, 0.13%; no homozygotes.

Submissions (5):

Molecular Diagnostic Laboratory for Inherited Cardiovascular Disease, Montreal Heart Institute
Classification: Likely benign. Last evaluated: 2026-09-21. Review status: criteria provided, single submitter. Criteria: ACMG Guidelines, 2015. Collection method: clinical testing. Allele origin: germline. Affected: no.
Comment: BS1;BP1;BP3

PreventionGenetics, part of Exact Sciences
Classification: Uncertain significance for ALPK3-related condition. Last evaluated: 2026-04-14. Review status: criteria provided, single submitter. Criteria: ACMG Guidelines, 2015. Collection method: clinical testing. Allele origin: germline.
Comment: The ALPK3 c.3110C>T variant is predicted to result in the amino acid substitution p.Pro1037Leu. To our knowledge, this variant has not been reported in the literature. This variant is reported in 0.0078% of alleles in individuals of European (Non-Finnish) descent in gnomAD. At this time, the clinical significance of this variant is uncertain due to the absence of conclusive functional and genetic evidence.

Labcorp Genetics (formerly Invitae), Labcorp
Classification: Uncertain significance. Last evaluated: 2025-10-11. Review status: criteria provided, single submitter. Criteria: Invitae Variant Classification Sherloc (09022015). Collection method: clinical testing. Allele origin: germline.
Comment: This sequence change replaces proline, which is neutral and non-polar, with leucine, which is neutral and non-polar, at codon 1037 of the ALPK3 protein (p.Pro1037Leu). This variant is present in population databases (rs529373050, gnomAD 0.007%). This variant has not been reported in the literature in individuals affected with ALPK3-related conditions. ClinVar contains an entry for this variant (Variation ID: 1395804). Invitae Evidence Modeling of protein sequence and biophysical properties (such as structural, functional, and spatial information, amino acid conservation, physicochemical variation, residue mobility, and thermodynamic stability) indicates that this missense variant is not expected to disrupt ALPK3 protein function with a negative predictive value of 80%. In summary, the available evidence is currently insufficient to determine the role of this variant in disease. Therefore, it has been classified as a Variant of Uncertain Significance.

GeneDx
Classification: Uncertain significance. Last evaluated: 2023-12-07. Review status: criteria provided, single submitter. Criteria: GeneDx Variant Classification Process June 2021. Collection method: clinical testing. Allele origin: germline. Affected: yes.
Comment: Has not been previously published as pathogenic or benign to our knowledge; In silico analysis supports that this missense variant does not alter protein structure/function

Ambry Genetics
Classification: Likely benign for Cardiovascular phenotype. Last evaluated: 2023-11-09. Review status: criteria provided, single submitter. Criteria: Ambry Variant Classification Scheme 2023. Collection method: clinical testing. Allele origin: germline.

NM_020778.5(ALPK3):c.2504C>T (p.Pro835Leu)

Gene: ALPK3 (alpha kinase 3; plus strand). Cytogenetic location: 15q25.3.
Variant type: single nucleotide variant.
Coding change: c.2504C>T on transcript NM_020778.5 (MANE Select); coding-DNA position 2504, C replaced by T.
Protein change: p.Pro835Leu; replaces proline 835 with leucine.
Molecular consequence: missense variant.
Genome position (GRCh38, 1-based): chr15:84,857,242, C>T. VCF-style: chr15-84857242-C-T. GRCh37 (hg19) VCF-style: chr15-85400473-C-T.
Other names: c.3110C>T (NM_020778.4); short protein forms P835L.
Identifiers: ClinVar variation 1395804 (VCV001395804.10), dbSNP rs529373050, ClinGen allele CA7709430.
Genomic context (GRCh38, chr15:84,857,242, plus strand): 5'-GAGAGAGATGCCGAGGGCCACAGTCATCAGGCCCAGTCGAGGCCAAGCAGGAGGACAGCC[C>T]GTTCCAGTGCCCCAAGGAGGAGCGGCCAGGGGGAGTGCCGTGTATGGATCAGGGTGGCTG-3'
Protein context (NP_065829.4, residues 825-845): GPVEAKQEDS[Pro835Leu]FQCPKEERPG